The following is an entry in ClinVar:

ClinVar aggregate classification (germline): Uncertain significance (1 of 4 stars; one submission).

Submission:

Labcorp Genetics (formerly Invitae), Labcorp
Classification: Uncertain significance. Last evaluated: 2025-04-08. Review status: criteria provided, single submitter. Criteria: Invitae Variant Classification Sherloc (09022015). Collection method: clinical testing. Allele origin: germline.
Comment: This sequence change replaces cysteine, which is neutral and slightly polar, with serine, which is neutral and polar, at codon 1594 of the COL11A2 protein (p.Cys1594Ser). The frequency data for this variant in the population databases is considered unreliable, as metrics indicate poor data quality at this position in the gnomAD database. This variant has not been reported in the literature in individuals affected with COL11A2-related conditions. Invitae Evidence Modeling of protein sequence and biophysical properties (such as structural, functional, and spatial information, amino acid conservation, physicochemical variation, residue mobility, and thermodynamic stability) indicates that this missense variant is not expected to disrupt COL11A2 protein function with a negative predictive value of 95%. In summary, the available evidence is currently insufficient to determine the role of this variant in disease. Therefore, it has been classified as a Variant of Uncertain Significance.

NM_080680.3(COL11A2):c.4780T>A (p.Cys1594Ser)

Gene: COL11A2 (collagen type XI alpha 2 chain; minus strand). Cytogenetic location: 6p21.32.
Variant type: single nucleotide variant.
Coding change: c.4780T>A on transcript NM_080680.3 (MANE Select); coding-DNA position 4780, T replaced by A.
Protein change: p.Cys1594Ser; replaces cysteine 1594 with serine.
Molecular consequence: missense variant.
Genome position (GRCh38, 1-based): chr6:33,164,935, A>T on the plus strand (T>A on the coding strand, the complement: COL11A2 is on the minus strand). VCF-style: chr6-33164935-A-T. GRCh37 (hg19) VCF-style: chr6-33132712-A-T.
Other names: c.4600T>A, p.Cys1534Ser (NM_001424108.1); c.3934T>A, p.Cys1312Ser (NM_001424109.1); c.3754T>A, p.Cys1252Ser (NM_001424110.1, NM_001424111.1); c.2734T>A, p.Cys912Ser (NM_001424112.1); c.4459T>A, p.Cys1487Ser (NM_080679.3); c.4522T>A, p.Cys1508Ser (NM_080681.3); short protein forms C1252S, C1487S, C1534S, C1312S, C1508S, C912S, C1594S.
Identifiers: ClinVar variation 4771645 (VCV004771645.1).